The following is an entry in ClinVar:

NM_001184.4(ATR):c.6947G>C (p.Gly2316Ala)

Gene: ATR (ATR serine/threonine kinase; minus strand). Cytogenetic location: 3q23.
Variant type: single nucleotide variant.
Coding change: c.6947G>C on transcript NM_001184.4 (MANE Select); coding-DNA position 6947, G replaced by C.
Protein change: p.Gly2316Ala; replaces glycine 2316 with alanine.
Molecular consequence: missense variant.
Genome position (GRCh38, 1-based): chr3:142,465,191, C>G on the plus strand (G>C on the coding strand, the complement: ATR is on the minus strand). VCF-style: chr3-142465191-C-G. GRCh37 (hg19) VCF-style: chr3-142184033-C-G.
Other names: c.6755G>C, p.Gly2252Ala (NM_001354579.2); short protein forms G2252A, G2316A.
Identifiers: ClinVar variation 3461945 (VCV003461945.1).

ClinVar aggregate classification (germline): Uncertain significance (1 of 4 stars; one submission).

Conditions:
Inborn genetic diseases. Identifiers: MedGen C0950123, MeSH D030342.

Submission:

Ambry Genetics
Classification: Uncertain significance for Inborn genetic diseases. Last evaluated: 2024-07-15. Review status: criteria provided, single submitter. Criteria: Ambry Variant Classification Scheme 2023. Collection method: clinical testing. Allele origin: germline.
Comment: The p.G2316A variant (also known as c.6947G>C), located in coding exon 41 of the ATR gene, results from a G to C substitution at nucleotide position 6947. The glycine at codon 2316 is replaced by alanine, an amino acid with similar properties. This amino acid position is conserved. In addition, this alteration is predicted to be deleterious by in silico analysis. Based on the available evidence, the clinical significance of this variant remains unclear.